The following is an entry in ClinVar:

NM_001458.5(FLNC):c.6864C>T (p.Val2288=)

Genes: FLNC (filamin C; plus strand), FLNC-AS1 (FLNC antisense RNA 1; minus strand). Cytogenetic location: 7q32.1.
Variant type: single nucleotide variant.
Coding change: c.6864C>T on transcript NM_001458.5 (MANE Select); coding-DNA position 6864, C replaced by T.
Protein change: p.Val2288=; no amino-acid change (valine 2288 retained).
Molecular consequence: synonymous variant.
Genome position (GRCh38, 1-based): chr7:128,854,549, C>T. VCF-style: chr7-128854549-C-T. GRCh37 (hg19) VCF-style: chr7-128494603-C-T.
Other names: c.6765C>T, p.Val2255= (NM_001127487.2).
Identifiers: ClinVar variation 539468 (VCV000539468.23), dbSNP rs761269440, ClinGen allele CA4476106.
Genomic context (GRCh38, chr7:128,854,549, plus strand): 5'-GGGCGAGGACAGCGCCTACAGCGTGCGCTTTGTGCCCCAGGAAATGGGGCCCCATACGGT[C>T]GCTGTCAAGTACCGTGGCCAGCACGTGCCCGGCAGCCCCTTTCAGTTCACTGTGGGGCCG-3'
Protein context (NP_001449.3, residues 2278-2298): FVPQEMGPHT[Val2288=]AVKYRGQHVP

ClinVar aggregate classification (germline): Likely benign. Review status: criteria provided, multiple submitters, no conflicts (2 of 4 stars). 11 submissions from 11 submitters: Likely benign (8). 3 of the submissions do not count toward it. Last evaluated 2026-08-01.

Conditions:
Cardiovascular phenotype. Identifiers: MedGen CN230736.
FLNC-related disorder. Also called: FLNC-related disorders; FLNC-related condition.
Cardiomyopathy (CMYO). Also called: Cardiomyopathies. Identifiers: Orphanet 167848, MedGen C0878544, MONDO:0004994, HP:0001638. Inheritance: Various modes of inheritance.
Distal myopathy with posterior leg and anterior hand involvement. Also called: WILLIAMS DISTAL MYOPATHY. Identifiers: Orphanet 63273, MedGen C3279722, MONDO:0013550, OMIM 614065.
Myofibrillar myopathy 5. Also called: Filaminopathy (type); FILAMINOPATHY, AUTOSOMAL DOMINANT. Identifiers: Orphanet 171445, MedGen C1836050, MONDO:0012289, OMIM 609524.
Hypertrophic cardiomyopathy 26. Also called: Cardiomyopathy, familial hypertrophic, 26. Identifiers: Orphanet 75249, MedGen C4310749, MONDO:0014883, OMIM 617047.

Allele frequency attached by ClinVar (database versions not stated): gnomAD 0.00004 and 0.00005; gnomAD exomes 0.00004 and 0.00006; ExAC 0.00005; TOPMed 0.00008.
gnomAD v4.1: 104 of 1,607,728 alleles (0.0065%); highest among the groups gnomAD compares: Non-Finnish European, 0.0079%; 1 homozygote.

Submissions (11):

CeGaT Center for Human Genetics Tuebingen
Classification: Likely benign. Last evaluated: 2026-08-01. Review status: criteria provided, single submitter. Criteria: CeGaT Center For Human Genetics Tuebingen Variant Classification Criteria Version 2. Collection method: clinical testing. Allele origin: germline. Affected: yes. Observed: 1 variant allele.
Comment: FLNC: BP4, BP7

Molecular Diagnostic Laboratory for Inherited Cardiovascular Disease, Montreal Heart Institute
Classification: Likely benign. Last evaluated: 2026-03-27. Review status: criteria provided, single submitter. Criteria: ACMG Guidelines, 2015. Collection method: clinical testing. Allele origin: germline. Affected: no.

Labcorp Genetics (formerly Invitae), Labcorp
Classification: Likely benign for Distal myopathy with posterior leg and anterior hand involvement; Myofibrillar myopathy 5; Hypertrophic cardiomyopathy 26. Last evaluated: 2025-12-24. Review status: criteria provided, single submitter. Criteria: Invitae Variant Classification Sherloc (09022015). Collection method: clinical testing. Allele origin: germline.

PreventionGenetics, part of Exact Sciences
Classification: Likely benign for FLNC-related condition. Last evaluated: 2025-12-17. Review status: criteria provided, single submitter. Criteria: ACMG Guidelines, 2015. Collection method: clinical testing. Allele origin: germline.
Comment: This variant is classified as likely benign based on ACMG/AMP sequence variant interpretation guidelines (Richards et al. 2015 PMID: 25741868, with internal and published modifications).

Blueprint Genetics
Classification: Likely benign. Last evaluated: 2024-09-16. Review status: criteria provided, single submitter. Criteria: ACMG Guidelines, 2015. Collection method: clinical testing. Allele origin: germline.

CHEO Genetics Diagnostic Laboratory, Children's Hospital of Eastern Ontario
Classification: Likely benign for Cardiomyopathy. Last evaluated: 2023-01-03. Review status: criteria provided, single submitter. Criteria: ACMG Guidelines, 2015. Collection method: clinical testing. Allele origin: germline.

Phosphorus, Inc.
Classification: Likely benign. Last evaluated: 2022-01-17. Review status: criteria provided, single submitter. Criteria: ACMG Guidelines, 2015. Collection method: clinical testing. Allele origin: germline. Inheritance: Autosomal dominant inheritance.
Comment: This synonymous variant has occurred in GnomAD with a total MAF of 0.0048% and with the highest MAF of 0.0077% in the European population. This position is not conserved. In silico splicing algorithm predicted no impact on splicing, but no functional studies were performed to confirm this prediction. This variant NM_001458.5(FLNC):c.6864C>T (p.Val2288=) is present in the ClinVar database (ID: 539468). The variant has not occurred in the literature in association with the disease. Considering that the variant has a relatively high frequency in a subpopulation, it has been classified as Likely Benign.

Ambry Genetics
Classification: Likely benign for Cardiovascular phenotype. Last evaluated: 2019-06-17. Review status: criteria provided, single submitter. Criteria: Ambry Variant Classification Scheme 2023. Collection method: clinical testing. Allele origin: germline.

Clinical Genetics, Academic Medical Center
Classification: Benign. Review status: no assertion criteria provided. Collection method: clinical testing. Allele origin: germline. Affected: yes. Study: VKGL Data-share Consensus. Not counted in ClinVar's aggregate classification.

Genome Diagnostics Laboratory, University Medical Center Utrecht
Classification: Likely benign. Review status: no assertion criteria provided. Collection method: clinical testing. Allele origin: germline. Affected: yes. Study: VKGL Data-share Consensus. Not counted in ClinVar's aggregate classification.

Joint Genome Diagnostic Labs from Nijmegen and Maastricht, Radboudumc and MUMC+
Classification: Likely benign. Review status: no assertion criteria provided. Collection method: clinical testing. Allele origin: germline. Affected: yes. Study: VKGL Data-share Consensus. Not counted in ClinVar's aggregate classification.